The following is an entry in ClinVar:

NM_000257.4(MYH7):c.2620GAG[1] (p.Glu875del)

Genes: MYH7 (myosin heavy chain 7; minus strand), LOC126861898 (BRD4-independent group 4 enhancer GRCh37_chr14:23893609-23894808; plus strand). Cytogenetic location: 14q11.2.
Variant type: Microsatellite.
Coding change: c.2620GAG[1] on transcript NM_000257.4 (MANE Select); one copy of the 3-base unit GAG starting at c.2620; the reference has two copies in a row; one copy, 3 bases deleted; also written c.2623_2625del.
Protein change: p.Glu875del; deletes glutamic acid 875.
Molecular consequence: inframe deletion.
Genome position (GRCh38, 1-based): chr14:23,424,823-23,424,825, CTC deleted on the plus strand (GAG on the coding strand, the reverse complement: MYH7 is on the minus strand); deleting any 3 consecutive bases within chr14:23,424,823-23,424,829 gives the same sequence; the position shown is the placement nearest the transcript's 3' end. VCF-style (leftmost placement, unchanged base first): chr14-23424822-TCTC-T. GRCh37 (hg19) VCF-style: chr14-23894031-TCTC-T.
Other names: c.2623_2625delGAG (NM_000257.4); c.2623_2625del (NM_000257.4); short protein forms E875del.
Identifiers: ClinVar variation 42919 (VCV000042919.19), dbSNP rs397516159, ClinGen allele CA012755.

ClinVar aggregate classification (germline): Conflicting classifications of pathogenicity. Review status: criteria provided, conflicting classifications (1 of 4 stars). 5 submissions from 5 submitters: Likely pathogenic (1); Uncertain significance (4). Last evaluated 2025-09-13.

Conditions:
Cardiovascular phenotype. Identifiers: MedGen CN230736.
Hypertrophic cardiomyopathy 1 (CMH1). Also called: MYH7-Related Familial Hypertrophic Cardiomyopathy; Familial hypertrophic cardiomyopathy 1. Identifiers: MedGen C3495498, MONDO:0008647, OMIM 192600.
Hypertrophic cardiomyopathy. Also called: HYPERTROPHIC MYOCARDIOPATHY. Identifiers: Orphanet 217569, MedGen C0007194, MeSH D002312, MONDO:0005045, HP:0001639.

Submissions (5):

Labcorp Genetics (formerly Invitae), Labcorp
Classification: Uncertain significance for Hypertrophic cardiomyopathy. Last evaluated: 2025-09-13. Review status: criteria provided, single submitter. Criteria: Invitae Variant Classification Sherloc (09022015). Collection method: clinical testing. Allele origin: germline.
Comment: This variant, c.2623_2625del, results in the deletion of 1 amino acid(s) of the MYH7 protein (p.Glu875del), but otherwise preserves the integrity of the reading frame. This variant is not present in population databases (gnomAD no frequency). This variant has been observed in individuals with hypertrophic cardiomyopathy (PMID: 25611685, 27532257; internal data). Experimental studies and prediction algorithms are not available or were not evaluated, and the functional significance of this variant is currently unknown. In summary, the available evidence is currently insufficient to determine the role of this variant in disease. Therefore, it has been classified as a Variant of Uncertain Significance.

3billion
Classification: Likely pathogenic for Hypertrophic cardiomyopathy 1. Last evaluated: 2025-08-18. Review status: criteria provided, single submitter. Criteria: ACMG Guidelines, 2015. Collection method: clinical testing. Allele origin: germline. Affected: yes.
Comment: The variant is not observed in the gnomAD v4.1.0 dataset. Predicted Consequence/Location: The variant is located in a mutational hot spot and/or well-established functional domain in which established pathogenic variants have been reported (PMID: 29300372). Inframe deletion located in a nonrepeat region: predicted to change the length of the protein and disrupt normal protein function. The variant has been reported to be associated with MYH7-related disorder (PMID: 25611685). Therefore, this variant is classified as Likely pathogenic according to the recommendation of ACMG/AMP guideline.

Ambry Genetics
Classification: Uncertain significance for Cardiovascular phenotype. Last evaluated: 2024-05-13. Review status: criteria provided, single submitter. Criteria: Ambry Variant Classification Scheme 2023. Collection method: clinical testing. Allele origin: germline.
Comment: The c.2623_2625delGAG variant (also known as p.E875del) is located in coding exon 20 of the MYH7 gene. This variant results from an in-frame GAG deletion at nucleotide positions 2623 to 2625. This results in the in-frame deletion of a glutamic acid at codon 875. This variant has been reported in hypertrophic cardiomyopathy genetic testing cohorts; however, clinical details were limited (Alfares AA et al. Genet Med, 2015 Nov;17:880-8; Walsh R et al. Genet Med, 2017 02;19:192-203). This amino acid position is highly conserved in available vertebrate species. In addition, this alteration is predicted to be deleterious by in silico analysis (Choi Y et al. PLoS ONE. 2012; 7(10):e46688). Since supporting evidence is limited at this time, the clinical significance of this alteration remains unclear.

Victorian Clinical Genetics Services, Murdoch Childrens Research Institute
Classification: Uncertain significance for Hypertrophic cardiomyopathy 1. Last evaluated: 2021-05-06. Review status: criteria provided, single submitter. Criteria: ACMG Guidelines, 2015. Collection method: clinical testing. Allele origin: germline. Affected: yes.
Comment: Based on the classification scheme VCGS_Germline_v1.3.4, this variant is classified as VUS-3A. Following criteria are met: 0105 - The mechanism of disease for this gene is not clearly established, however, missense variants have been proposed to act in a dominant negative manner (PMID: 24714796). (I) 0108 - This gene is associated with both recessive and dominant disease. Pathogenic variants in this gene are usually heterozygous, however a recessive inheritance pattern has been observed in severe cases (OMIM). (I) 0112 - The condition associated with this gene has incomplete penetrance (PMID: 29300372). (I) 0213 - In-frame deletion in a non-repetitive region that has high conservation. (SP) 0251 - This variant is heterozygous. (I) 0301 - Variant is absent from gnomAD (both v2 and v3). (SP) 0601 - Variant is located in the well-established functional myosin head domain that encompasses residues 181-937 (PMID: 29300372). (SP) 0705 - No comparable in-frame deletion or missense variants have previous evidence for pathogenicity. (I) 0802 - This variant has moderate previous evidence of pathogenicity in unrelated individuals. This variant has been identified in three individuals with HCM (PMID: 27532257). (SP) 0905 - No published segregation evidence has been identified for this variant. (I) 1007 - No published functional evidence has been identified for this variant. (I) 1208 - Inheritance information for this variant is not currently available in this individual. (I) Legend: (SP) - Supporting pathogenic, (I) - Information, (SB) - Supporting benign

Laboratory for Molecular Medicine, Mass General Brigham Personalized Medicine
Classification: Uncertain significance. Last evaluated: 2014-04-04. Review status: criteria provided, single submitter. Criteria: LMM Criteria. Collection method: clinical testing. Allele origin: germline. Observed: 2 variant alleles.
Comment: proposed classification - variant undergoing re-assessment, contact laboratory

Literature cited by the submitters: PubMed 25611685 (cited by 3 submitters); PubMed 27532257 (cited by 3 submitters); PubMed 30297972 (cited by Ambry Genetics); PubMed 24714796 (cited by Victorian Clinical Genetics Services, Murdoch Childrens Research Institute); PubMed 29300372 (cited by Victorian Clinical Genetics Services, Murdoch Childrens Research Institute).